The following is an entry in ClinVar:

ClinVar aggregate classification (germline): Benign/Likely benign. Review status: criteria provided, multiple submitters, no conflicts (2 of 4 stars). 4 submissions from 4 submitters: Benign (1); Likely benign (3). Last evaluated 2024-07-16.

Conditions:
Hereditary cancer-predisposing syndrome. Also called: Neoplastic Syndromes, Hereditary; Tumor predisposition; Hereditary neoplastic syndrome; Hereditary Cancer Syndrome. Identifiers: Orphanet 140162, MedGen C0027672, MeSH D009386, MONDO:0015356.
BAP1-related tumor predisposition syndrome (TPDS1). Also called: COMMON Syndrome; TUMOR PREDISPOSITION SYNDROME 1; Tumor susceptibility linked to germline BAP1 mutations; BAP1 tumor predisposition syndrome. Identifiers: Orphanet 289539, MedGen C3280492, MONDO:0013692, OMIM 614327.

Allele frequency attached by ClinVar (database versions not stated): gnomAD exomes below 0.00001.

Submissions (4):

Myriad Genetics, Inc.
Classification: Benign for BAP1-related tumor predisposition syndrome. Last evaluated: 2024-07-16. Review status: criteria provided, single submitter. Criteria: Myriad Autosomal Dominant, Autosomal Recessive and X-Linked Classification Criteria (2023). Collection method: clinical testing. Allele origin: unknown.
Comment: This variant is considered benign. This variant is a silent/synonymous amino acid change and it is not expected to impact splicing.

Ambry Genetics
Classification: Likely benign for Hereditary cancer-predisposing syndrome. Last evaluated: 2024-04-10. Review status: criteria provided, single submitter. Criteria: Ambry Variant Classification Scheme 2023. Collection method: clinical testing. Allele origin: germline.

Color Diagnostics, LLC DBA Color Health
Classification: Likely benign for Hereditary cancer-predisposing syndrome. Last evaluated: 2021-08-23. Review status: criteria provided, single submitter. Criteria: ACMG Guidelines, 2015. Collection method: clinical testing. Allele origin: germline.

GeneDx
Classification: Likely benign. Last evaluated: 2018-03-27. Review status: criteria provided, single submitter. Criteria: GeneDx Variant Classification (06012015). Collection method: clinical testing. Allele origin: germline. Affected: yes.
Comment: This variant is considered likely benign or benign based on one or more of the following criteria: it is a conservative change, it occurs at a poorly conserved position in the protein, it is predicted to be benign by multiple in silico algorithms, and/or has population frequency not consistent with disease.

NM_004656.4(BAP1):c.1690C>T (p.Leu564=)

Gene: BAP1 (BRCA1 associated deubiquitinase 1; minus strand). Cytogenetic location: 3p21.1.
Variant type: single nucleotide variant.
Coding change: c.1690C>T on transcript NM_004656.4 (MANE Select); coding-DNA position 1690, C replaced by T.
Protein change: p.Leu564=; no amino-acid change (leucine 564 retained).
Molecular consequence: synonymous variant.
Genome position (GRCh38, 1-based): chr3:52,403,455, G>A on the plus strand (C>T on the coding strand, the complement: BAP1 is on the minus strand). VCF-style: chr3-52403455-G-A. GRCh37 (hg19) VCF-style: chr3-52437471-G-A.
Other names: c.1690C>T (NM_004656.2).
Identifiers: ClinVar variation 681434 (VCV000681434.5), dbSNP rs1578220257, ClinGen allele CA433885828.